The following is an entry in ClinVar:

ClinVar aggregate classification (germline): Benign. Review status: criteria provided, multiple submitters, no conflicts (2 of 4 stars). 4 submissions from 4 submitters: Benign (4). Last evaluated 2021-06-15.

Conditions:
Multiple sulfatase deficiency (MSD). Also called: Mucosulfatidosis; Multiple Sulfatase Deficiency Disease; Sulfatidosis, Juvenile, Austin Type. Identifiers: Orphanet 585, MedGen C0268263, MONDO:0010088, OMIM 272200.

Allele frequency attached by ClinVar (database versions not stated): gnomAD exomes 0.56822; gnomAD 0.60822 and 0.61399; TOPMed 0.62418; 1000 Genomes Project 30x 0.70081; 1000 Genomes Project 0.70447.
gnomAD v4.1: 861,833 of 1,502,606 alleles (57%); highest among the groups gnomAD compares: East Asian, 77%; 252,077 homozygotes.

Submissions (4):

Pars Genome Lab
Classification: Benign for Multiple sulfatase deficiency. Last evaluated: 2021-06-15. Review status: criteria provided, single submitter. Criteria: ACMG Guidelines, 2015. Collection method: clinical testing. Allele origin: germline. Affected: no.

GeneDx
Classification: Benign. Last evaluated: 2018-06-19. Review status: criteria provided, single submitter. Criteria: GeneDx Variant Classification Process June 2021. Collection method: clinical testing. Allele origin: germline. Affected: yes.

Illumina Laboratory Services, Illumina
Classification: Benign for Multiple sulfatase deficiency. Last evaluated: 2018-01-13. Review status: criteria provided, single submitter. Criteria: ICSL Variant Classification Criteria 13 December 2019. Collection method: clinical testing. Allele origin: germline.
Comment: This variant was observed in the ICSL laboratory as part of a predisposition screen in an ostensibly healthy population. It had not been previously curated by ICSL or reported in the Human Gene Mutation Database (HGMD: prior to June 1st, 2018), and was therefore a candidate for classification through an automated scoring system. Utilizing variant allele frequency, disease prevalence and penetrance estimates, and inheritance mode, an automated score was calculated to assess if this variant is too frequent to cause the disease. Based on the score and internal cut-off values, a variant classified as benign is not then subjected to further curation. The score for this variant resulted in a classification of benign for this disease.

Breakthrough Genomics
Classification: Benign. Review status: criteria provided, single submitter. Criteria: ACMG Guidelines, 2015. Collection method: not provided. Allele origin: germline. Inheritance: Autosomal recessive inheritance. Affected: yes.

NM_182760.4(SUMF1):c.*61T>C

Gene: SUMF1 (sulfatase modifying factor 1; minus strand). Cytogenetic location: 3p26.1.
Variant type: single nucleotide variant.
Coding change: c.*61T>C on transcript NM_182760.4 (MANE Select); 61 bases downstream of the stop codon, T replaced by C.
Molecular consequence: 3 prime UTR variant.
Genome position (GRCh38, 1-based): chr3:4,362,083, A>G on the plus strand (T>C on the coding strand, the complement: SUMF1 is on the minus strand). VCF-style: chr3-4362083-A-G. GRCh37 (hg19) VCF-style: chr3-4403767-A-G.
Other names: c.*61T>C (NM_001164674.2, NM_001164675.2).
Identifiers: ClinVar variation 345312 (VCV000345312.10), dbSNP rs2819561, ClinGen allele CA10616430.